The following is an entry in ClinVar:

NM_006206.6(PDGFRA):c.1631T>G (p.Val544Gly)

Gene: PDGFRA (platelet derived growth factor receptor alpha; plus strand). Cytogenetic location: 4q12.
Variant type: single nucleotide variant.
Coding change: c.1631T>G on transcript NM_006206.6 (MANE Select); coding-DNA position 1631, T replaced by G.
Protein change: p.Val544Gly; replaces valine 544 with glycine.
Molecular consequence: missense variant.
Genome position (GRCh38, 1-based): chr4:54,274,603, T>G. VCF-style: chr4-54274603-T-G. GRCh37 (hg19) VCF-style: chr4-55140770-T-G.
Other names: c.1631T>G, p.Val544Gly (NM_001347827.2, NM_001347829.2); c.1706T>G, p.Val569Gly (NM_001347828.2); c.1670T>G, p.Val557Gly (NM_001347830.2); short protein forms V557G, V569G, V544G.
Identifiers: ClinVar variation 1776846 (VCV001776846.4), dbSNP rs181854060, ClinGen allele CA96859547.

ClinVar aggregate classification (germline): Uncertain significance. Review status: criteria provided, multiple submitters, no conflicts (2 of 4 stars). 2 submissions from 2 submitters: Uncertain significance (2). Last evaluated 2024-08-11.

Conditions:
Polyps, multiple and recurrent inflammatory fibroid, gastrointestinal. Identifiers: MedGen C5193005, MONDO:0008285, OMIM 175510.
Hereditary cancer-predisposing syndrome. Also called: Neoplastic Syndromes, Hereditary; Tumor predisposition; Hereditary Cancer Syndrome; Hereditary neoplastic syndrome. Identifiers: Orphanet 140162, MedGen C0027672, MeSH D009386, MONDO:0015356.

gnomAD v4.1: 7 of 1,613,256 alleles (0.00043%); highest among the groups gnomAD compares: African/African-American, 0.008%; no homozygotes.

Submissions (2):

Ambry Genetics
Classification: Uncertain significance for Hereditary cancer-predisposing syndrome. Last evaluated: 2024-08-11. Review status: criteria provided, single submitter. Criteria: Ambry Variant Classification Scheme 2023. Collection method: clinical testing. Allele origin: germline.
Comment: The p.V544G variant (also known as c.1631T>G), located in coding exon 10 of the PDGFRA gene, results from a T to G substitution at nucleotide position 1631. The valine at codon 544 is replaced by glycine, an amino acid with dissimilar properties. This amino acid position is conserved. In addition, the in silico prediction for this alteration is inconclusive. Since supporting evidence is limited at this time, the clinical significance of this alteration remains unclear.

Baylor Genetics
Classification: Uncertain significance for Polyps, multiple and recurrent inflammatory fibroid, gastrointestinal. Last evaluated: 2023-05-05. Review status: criteria provided, single submitter. Criteria: ACMG Guidelines, 2015. Collection method: clinical testing. Allele origin: unknown.